The following is an entry in ClinVar:

NM_020964.3(EPG5):c.2844A>T (p.Ser948=)

Gene: EPG5 (ectopic P-granules 5 autophagy tethering factor; minus strand). Cytogenetic location: 18q21.1.
Variant type: single nucleotide variant.
Coding change: c.2844A>T on transcript NM_020964.3 (MANE Select); coding-DNA position 2844, A replaced by T.
Protein change: p.Ser948=; no amino-acid change (serine 948 retained).
Molecular consequence: synonymous variant.
Genome position (GRCh38, 1-based): chr18:45,922,595, T>A on the plus strand (A>T on the coding strand, the complement: EPG5 is on the minus strand). VCF-style: chr18-45922595-T-A. GRCh37 (hg19) VCF-style: chr18-43502561-T-A.
Other names: c.2844A>T, p.Ser948= (NM_001410858.1, NM_001410859.1).
Identifiers: ClinVar variation 1964799 (VCV001964799.30), dbSNP rs916382324, ClinGen allele CA299768134.

ClinVar aggregate classification (germline): Likely benign. Review status: criteria provided, multiple submitters, no conflicts (2 of 4 stars). 3 submissions from 3 submitters: Likely benign (3). Last evaluated 2025-09-28.

Conditions:
Vici syndrome (VICIS). Identifiers: Orphanet 1493, MedGen C1855772, MONDO:0009452, OMIM 242840.

Allele frequency attached by ClinVar (database versions not stated): TOPMed below 0.00001.
gnomAD v4.1: 23 of 1,613,720 alleles (0.0014%); highest among the groups gnomAD compares: Non-Finnish European, 0.0019%; no homozygotes.

Submissions (3):

Labcorp Genetics (formerly Invitae), Labcorp
Classification: Likely benign for Vici syndrome. Last evaluated: 2025-09-28. Review status: criteria provided, single submitter. Criteria: Invitae Variant Classification Sherloc (09022015). Collection method: clinical testing. Allele origin: germline.

Blueprint Genetics
Classification: Likely benign. Last evaluated: 2022-12-06. Review status: criteria provided, single submitter. Criteria: ACMG Guidelines, 2015. Collection method: clinical testing. Allele origin: germline.

CeGaT Center for Human Genetics Tuebingen
Classification: Likely benign. Last evaluated: 2022-03-01. Review status: criteria provided, single submitter. Criteria: CeGaT Center For Human Genetics Tuebingen Variant Classification Criteria Version 2. Collection method: clinical testing. Allele origin: germline. Affected: yes. Observed: 1 variant allele.
Comment: EPG5: PM2:Supporting, BP4, BP7